The following is an entry in ClinVar:

NM_001009944.3(PKD1):c.2921C>A (p.Ser974Tyr)

Gene: PKD1 (polycystin 1, transient receptor potential channel interacting; minus strand). Cytogenetic location: 16p13.3.
Variant type: single nucleotide variant.
Coding change: c.2921C>A on transcript NM_001009944.3 (MANE Select); coding-DNA position 2921, C replaced by A.
Protein change: p.Ser974Tyr; replaces serine 974 with tyrosine.
Molecular consequence: missense variant.
Genome position (GRCh38, 1-based): chr16:2,113,225, G>T on the plus strand (C>A on the coding strand, the complement: PKD1 is on the minus strand). VCF-style: chr16-2113225-G-T. GRCh37 (hg19) VCF-style: chr16-2163226-G-T.
Other names: c.2921C>A, p.Ser974Tyr (NM_000296.4); short protein forms S974Y.
Identifiers: ClinVar variation 4848181 (VCV004848181.1).

ClinVar aggregate classification (germline): Uncertain significance (1 of 4 stars; one submission).

Submission:

Women's Health and Genetics/Laboratory Corporation of America, LabCorp
Classification: Uncertain significance. Last evaluated: 2026-02-23. Review status: criteria provided, single submitter. Criteria: LabCorp Variant Classification Summary - May 2015. Collection method: clinical testing. Allele origin: germline.
Comment: Variant summary: PKD1 c.2921C>A (p.Ser974Tyr) results in a non-conservative amino acid change in the encoded protein sequence. Algorithms developed to predict the effect of missense changes on protein structure and function are either unavailable or do not agree on the potential impact of this missense change. The variant was absent in 118688 control chromosomes. The available data on variant occurrences in the general population are insufficient to allow any conclusion about variant significance. To our knowledge, no occurrence of c.2921C>A in individuals affected with PKD1-related conditions and no experimental evidence demonstrating its impact on protein function have been reported. No submitters have cited clinical-significance assessments for this variant to ClinVar. Based on the evidence outlined above, the variant was classified as uncertain significance.